The following is an entry in ClinVar:

ClinVar aggregate classification (germline): Benign. Review status: criteria provided, multiple submitters, no conflicts (2 of 4 stars). 5 submissions from 5 submitters: Benign (4). 1 of the submissions does not count toward it. Last evaluated 2026-02-03.

Conditions:
AHDC1-related disorder. Also called: AHDC1-related condition.
AHDC1-related intellectual disability - obstructive sleep apnea - mild dysmorphism syndrome. Also called: Xia-Gibbs syndrome. Identifiers: Orphanet 412069, MedGen C4014419, MONDO:0014358, OMIM 615829.

Allele frequency attached by ClinVar (database versions not stated): 1000 Genomes Project 0.06010; 1000 Genomes Project 30x 0.06012; gnomAD exomes 0.07101 and 0.08026; gnomAD 0.08241 and 0.08484; TOPMed 0.08290; ESP Exome Variant Server 0.08423; ExAC 0.11978.
gnomAD v4.1: 128,191 of 1,595,450 alleles (8%); highest among the groups gnomAD compares: Middle Eastern, 10%; 5,550 homozygotes.

Submissions (17):

Labcorp Genetics (formerly Invitae), Labcorp
Classification: Benign. Last evaluated: 2026-02-03. Review status: criteria provided, single submitter. Criteria: Invitae Variant Classification Sherloc (09022015). Collection method: clinical testing. Allele origin: germline.

Genome-Nilou Lab
Classification: Benign for AHDC1-related intellectual disability - obstructive sleep apnea - mild dysmorphism syndrome. Last evaluated: 2021-12-05. Review status: criteria provided, single submitter. Criteria: ACMG Guidelines, 2015. Collection method: clinical testing. Allele origin: germline. Affected: no.

GeneDx
Classification: Benign. Last evaluated: 2018-08-17. Review status: criteria provided, single submitter. Criteria: GeneDx Variant Classification Process June 2021. Collection method: clinical testing. Allele origin: germline. Affected: yes.

Breakthrough Genomics
Classification: Benign. Review status: criteria provided, single submitter. Criteria: ACMG Guidelines, 2015. Collection method: not provided. Allele origin: germline. Inheritance: Autosomal dominant inheritance. Affected: yes.

PreventionGenetics, part of Exact Sciences
Classification: Benign for AHDC1-related condition. Last evaluated: 2019-06-11. Review status: no assertion criteria provided. Collection method: clinical testing. Allele origin: germline. Not counted in ClinVar's aggregate classification.
Comment: This variant is classified as benign based on ACMG/AMP sequence variant interpretation guidelines (Richards et al. 2015 PMID: 25741868, with internal and published modifications).

Dr. Peter K. Rogan Lab, Western University
No classification provided (evidence only). Condition: Uterine carcinosarcoma. Review status: no classification provided. Collection method: in vitro. Allele origin: not applicable. Functional consequence: skipped exon. Not counted in ClinVar's aggregate classification.

Dr. Peter K. Rogan Lab, Western University
No classification provided (evidence only). Condition: Melanoma. Review status: no classification provided. Collection method: in vitro. Allele origin: not applicable. Functional consequence: retained intron. Not counted in ClinVar's aggregate classification.

Dr. Peter K. Rogan Lab, Western University
No classification provided (evidence only). Condition: Melanoma. Review status: no classification provided. Collection method: in vitro. Allele origin: not applicable. Functional consequence: retained intron. Not counted in ClinVar's aggregate classification.

Dr. Peter K. Rogan Lab, Western University
No classification provided (evidence only). Condition: Colon adenocarcinoma. Review status: no classification provided. Collection method: in vitro. Allele origin: not applicable. Functional consequence: retained intron. Not counted in ClinVar's aggregate classification.

Dr. Peter K. Rogan Lab, Western University
No classification provided (evidence only). Condition: Colon adenocarcinoma. Review status: no classification provided. Collection method: in vitro. Allele origin: not applicable. Functional consequence: retained intron. Not counted in ClinVar's aggregate classification.

Dr. Peter K. Rogan Lab, Western University
No classification provided (evidence only). Condition: Thymoma. Review status: no classification provided. Collection method: in vitro. Allele origin: not applicable. Functional consequence: retained intron. Not counted in ClinVar's aggregate classification.

Dr. Peter K. Rogan Lab, Western University
No classification provided (evidence only). Condition: Thymoma. Review status: no classification provided. Collection method: in vitro. Allele origin: not applicable. Functional consequence: skipped exon, retained intron. Not counted in ClinVar's aggregate classification.

Dr. Peter K. Rogan Lab, Western University
No classification provided (evidence only). Condition: Adrenocortical carcinoma, hereditary. Review status: no classification provided. Collection method: in vitro. Allele origin: not applicable. Functional consequence: retained intron. Not counted in ClinVar's aggregate classification.

Dr. Peter K. Rogan Lab, Western University
No classification provided (evidence only). Condition: Adrenocortical carcinoma, hereditary. Review status: no classification provided. Collection method: in vitro. Allele origin: not applicable. Functional consequence: retained intron. Not counted in ClinVar's aggregate classification.

Dr. Peter K. Rogan Lab, Western University
No classification provided (evidence only). Condition: Uterine carcinosarcoma. Review status: no classification provided. Collection method: in vitro. Allele origin: not applicable. Functional consequence: skipped exon, retained intron. Not counted in ClinVar's aggregate classification.

Dr. Peter K. Rogan Lab, Western University
No classification provided (evidence only). Condition: Uterine carcinosarcoma. Review status: no classification provided. Collection method: in vitro. Allele origin: not applicable. Functional consequence: retained intron. Not counted in ClinVar's aggregate classification.

Dr. Peter K. Rogan Lab, Western University
No classification provided (evidence only). Condition: Uterine carcinosarcoma. Review status: no classification provided. Collection method: in vitro. Allele origin: not applicable. Functional consequence: retained intron. Not counted in ClinVar's aggregate classification.

NM_001371928.1(AHDC1):c.1209C>T (p.Arg403=)

Gene: AHDC1 (AT-hook DNA binding motif containing 1; minus strand). Cytogenetic location: 1p36.11.
Variant type: single nucleotide variant.
Coding change: c.1209C>T on transcript NM_001371928.1 (MANE Select); coding-DNA position 1209, C replaced by T.
Protein change: p.Arg403=; no amino-acid change (arginine 403 retained).
Molecular consequence: synonymous variant.
Genome position (GRCh38, 1-based): chr1:27,550,907, G>A on the plus strand (C>T on the coding strand, the complement: AHDC1 is on the minus strand). VCF-style: chr1-27550907-G-A. GRCh37 (hg19) VCF-style: chr1-27877418-G-A.
Other names: c.1209C>T, p.Arg403= (NM_001029882.3).
Identifiers: ClinVar variation 1169789 (VCV001169789.16), dbSNP rs113173951, ClinGen allele CA715992.